The following is an entry in ClinVar:

ClinVar aggregate classification (germline): Pathogenic (1 of 4 stars; one submission).

Conditions:
Ullrich congenital muscular dystrophy 2 (UCMD2). Identifiers: Orphanet 75840, MedGen C4225314, MONDO:0014654, OMIM 616470.
Bethlem myopathy 2 (BTHLM2). Identifiers: Orphanet 536516, Orphanet 610, MedGen C4225313, MONDO:0034022, OMIM 616471.

Submission:

Labcorp Genetics (formerly Invitae), Labcorp
Classification: Pathogenic for Bethlem myopathy 2; Ullrich congenital muscular dystrophy 2. Last evaluated: 2023-03-14. Review status: criteria provided, single submitter. Criteria: Invitae Variant Classification Sherloc (09022015). Collection method: clinical testing. Allele origin: germline.
Comment: This variant has not been reported in the literature in individuals affected with COL12A1-related conditions. This variant is not present in population databases (gnomAD no frequency). This sequence change creates a premature translational stop signal (p.Ile2703Thrfs*80) in the COL12A1 gene. It is expected to result in an absent or disrupted protein product. Loss-of-function variants in COL12A1 are known to be pathogenic (PMID: 24334604, 28973083). For these reasons, this variant has been classified as Pathogenic.

Literature cited by the submitters: PubMed 24334604; PubMed 28973083.

NM_004370.6(COL12A1):c.8108del (p.Ile2703fs)

Gene: COL12A1 (collagen type XII alpha 1 chain; minus strand). Cytogenetic location: 6q13.
Variant type: Deletion.
Coding change: c.8108del on transcript NM_004370.6 (MANE Select); coding-DNA position 8108, one base deleted (T; older notation c.8108delT).
Protein change: p.Ile2703fs; shifts the reading frame from isoleucine 2703.
Molecular consequence: frameshift variant.
Genome position (GRCh38, 1-based): chr6:75,106,489, A deleted on the plus strand (T on the coding strand, the reverse complement: COL12A1 is on the minus strand). VCF-style (leftmost placement, unchanged base first): chr6-75106488-GA-G. GRCh37 (hg19) VCF-style: chr6-75816204-GA-G.
Other names: c.8108del, p.Ile2703fs (NM_001424113.1); c.8087del, p.Ile2696fs (NM_001424114.1); c.7835del, p.Ile2612fs (NM_001424115.1); c.4616del, p.Ile1539fs (NM_001424116.1, NM_080645.3); short protein forms I2612fs, I2703fs, I1539fs, I2696fs.
Identifiers: ClinVar variation 2945306 (VCV002945306.3), dbSNP rs2533127644, ClinGen allele CA2740091435.